The following is an entry in ClinVar:

NM_001127222.2(CACNA1A):c.5732-39del

Gene: CACNA1A (calcium voltage-gated channel subunit alpha1 A; minus strand). Cytogenetic location: 19p13.13.
Variant type: Deletion.
Coding change: c.5732-39del on transcript NM_001127222.2 (MANE Select); 39 bases into the intron before coding-DNA position 5732, one base deleted (C; older notation c.5732-39delC).
Molecular consequence: intron variant.
Genome position (GRCh38, 1-based): chr19:13,214,647, G deleted on the plus strand (C on the coding strand, the reverse complement: CACNA1A is on the minus strand); the first of 3 consecutive G bases (chr19:13,214,647-13,214,649); deleting any one gives the same sequence. VCF-style (leftmost placement, unchanged base first): chr19-13214646-TG-T. GRCh37 (hg19) VCF-style: chr19-13325460-TG-T.
Other names: c.5735-39del (NM_001127221.2); c.5741-39del (NM_001174080.2); c.5750-39del (NM_000068.4, NM_023035.3).
Identifiers: ClinVar variation 677401 (VCV000677401.1), dbSNP rs559922012, ClinGen allele CA9239605.
Genomic context (GRCh38, chr19:13,214,646, plus strand): 5'-CATCTGCTGTTTGTCGGCTCCTCCTGCAATGGGGGTGTAGACAGACCCTGACTGCCTGCC[TG>T]GGTGTCAGCTGGACTCTGGGTCAGCTGCAAAGCCATAGGCTCCCGAGAACGAGACCCCAA-3'

ClinVar aggregate classification (germline): Likely benign (1 of 4 stars; one submission).

Submission:

GeneDx
Classification: Likely benign. Last evaluated: 2018-06-19. Review status: criteria provided, single submitter. Criteria: GeneDx Variant Classification (06012015). Collection method: clinical testing. Allele origin: germline. Affected: yes.
Comment: This variant is considered likely benign or benign based on one or more of the following criteria: it is a conservative change, it occurs at a poorly conserved position in the protein, it is predicted to be benign by multiple in silico algorithms, and/or has population frequency not consistent with disease.